The following is an entry in ClinVar:

ClinVar aggregate classification (germline): Likely benign (0 of 4 stars; one submission).

Conditions:
CREBBP-related disorder. Also called: CREBBP-related condition; CREBBP-related disorders.

gnomAD v4.1: 8 of 1,604,092 alleles (0.0005%); highest among the groups gnomAD compares: South Asian, 0.0011%; no homozygotes.

Submission:

PreventionGenetics, part of Exact Sciences
Classification: Likely benign for CREBBP-related condition. Last evaluated: 2022-10-05. Review status: no assertion criteria provided. Collection method: clinical testing. Allele origin: germline.
Comment: This variant is classified as likely benign based on ACMG/AMP sequence variant interpretation guidelines (Richards et al. 2015 PMID: 25741868, with internal and published modifications).

NM_004380.3(CREBBP):c.4944C>T (p.Pro1648=)

Gene: CREBBP (CREB binding lysine acetyltransferase; minus strand). Cytogenetic location: 16p13.3.
Variant type: single nucleotide variant.
Coding change: c.4944C>T on transcript NM_004380.3 (MANE Select); coding-DNA position 4944, C replaced by T.
Protein change: p.Pro1648=; no amino-acid change (proline 1648 retained).
Molecular consequence: synonymous variant.
Genome position (GRCh38, 1-based): chr16:3,731,420, G>A on the plus strand (C>T on the coding strand, the complement: CREBBP is on the minus strand). VCF-style: chr16-3731420-G-A. GRCh37 (hg19) VCF-style: chr16-3781421-G-A.
Other names: c.4830C>T, p.Pro1610= (NM_001079846.1).
Identifiers: ClinVar variation 3353284 (VCV003353284.1).